The following is an entry in ClinVar:

NM_000155.4(GALT):c.836T>G (p.Met279Arg)

Gene: GALT (galactose-1-phosphate uridylyltransferase; plus strand). Cytogenetic location: 9p13.3.
Variant type: single nucleotide variant.
Coding change: c.836T>G on transcript NM_000155.4 (MANE Select); coding-DNA position 836, T replaced by G.
Protein change: p.Met279Arg; replaces methionine 279 with arginine.
Molecular consequence: missense variant.
Genome position (GRCh38, 1-based): chr9:34,649,013, T>G. VCF-style: chr9-34649013-T-G. GRCh37 (hg19) VCF-style: chr9-34649010-T-G.
Other names: c.509T>G, p.Met170Arg (NM_001258332.2); short protein forms M170R.
Identifiers: ClinVar variation 2891881 (VCV002891881.5), dbSNP rs111033779, ClinGen allele CA259515.

ClinVar aggregate classification (germline): Conflicting classifications of pathogenicity. Review status: criteria provided, conflicting classifications (1 of 4 stars). 2 submissions from 2 submitters: Likely pathogenic (1); Uncertain significance (1). Last evaluated 2025-03-24.

Conditions:
Deficiency of UDPglucose-hexose-1-phosphate uridylyltransferase. Also called: Transferase Deficiency Galactosemia; GALT deficiency; Galactosemia, classic; GALACTOSEMIA I; GALACTOSE-1-PHOSPHATE URIDYLYLTRANSFERASE DEFICIENCY. Identifiers: Orphanet 352, Orphanet 79239, MedGen C0268151, MONDO:0009258, OMIM 230400.

Submissions (2):

Victorian Clinical Genetics Services, Murdoch Childrens Research Institute
Classification: Uncertain significance for Deficiency of UDPglucose-hexose-1-phosphate uridylyltransferase. Last evaluated: 2025-03-24. Review status: criteria provided, single submitter. Criteria: ACMG Guidelines, 2015. Collection method: clinical testing. Allele origin: germline. Affected: no.
Comment: This variant is classified as VUS-3A. Evidence in support of pathogenic classification: Variant is absent from gnomAD (v2, v3 and v4); Missense variant predicted to be damaging by in silico tool(s) or highly conserved with a major amino acid change. Additional information: Variant is predicted to result in a missense amino acid change from methionine to arginine; This variant is heterozygous; This gene is associated with autosomal recessive disease; Alternative amino acid change(s) at the same position are present in gnomAD (highest allele count: v4: 7 heterozygote(s), 0 homozygote(s)); Previous evidence of pathogenicity for this variant is inconclusive. This variant has been classified as likely pathogenic by a clinical laboratory in the context of carrier screening (Invitae personal communication); No published segregation evidence has been identified for this variant; No published functional evidence has been identified for this variant; Another missense variant(s) comparable to the one identified in this case has inconclusive previous evidence for pathogenicity. p.(Met279Val) has been classified as likely pathogenic and as a VUS in ClinVar; Variant is located in the annotated galactose-1-phosphate uridyl transferase, C-terminal domain (DECIPHER); Loss of function is a known mechanism of disease in this gene and is associated with galactosemia (MIM#230400).

Labcorp Genetics (formerly Invitae), Labcorp
Classification: Likely pathogenic for Deficiency of UDPglucose-hexose-1-phosphate uridylyltransferase. Last evaluated: 2024-01-18. Review status: criteria provided, single submitter. Criteria: Invitae Variant Classification Sherloc (09022015). Collection method: clinical testing. Allele origin: germline.
Comment: This sequence change replaces methionine, which is neutral and non-polar, with arginine, which is basic and polar, at codon 279 of the GALT protein (p.Met279Arg). This variant is not present in population databases (gnomAD no frequency). This variant has not been reported in the literature in individuals affected with GALT-related conditions. Advanced modeling of protein sequence and biophysical properties (such as structural, functional, and spatial information, amino acid conservation, physicochemical variation, residue mobility, and thermodynamic stability) performed at Invitae indicates that this missense variant is expected to disrupt GALT protein function with a positive predictive value of 95%. This variant disrupts the p.Met29 amino acid residue in GALT. Other variant(s) that disrupt this residue have been determined to be pathogenic (Invitae). This suggests that this residue is clinically significant, and that variants that disrupt this residue are likely to be disease-causing. In summary, the currently available evidence indicates that the variant is pathogenic, but additional data are needed to prove that conclusively. Therefore, this variant has been classified as Likely Pathogenic.